The following is an entry in ClinVar:

NM_031485.4(GRWD1):c.876G>A (p.Arg292=)

Gene: GRWD1 (glutamate rich WD repeat containing 1; plus strand). Cytogenetic location: 19q13.33.
Variant type: single nucleotide variant.
Coding change: c.876G>A on transcript NM_031485.4 (MANE Select); coding-DNA position 876, G replaced by A.
Protein change: p.Arg292=; no amino-acid change (arginine 292 retained).
Molecular consequence: synonymous variant.
Genome position (GRCh38, 1-based): chr19:48,451,084, G>A. VCF-style: chr19-48451084-G-A. GRCh37 (hg19) VCF-style: chr19-48954341-G-A.
Identifiers: ClinVar variation 3041698 (VCV003041698.2), dbSNP rs184556377, ClinGen allele CA9551190.

ClinVar aggregate classification (germline): Likely benign (0 of 4 stars; one submission).

Conditions:
GRWD1-related disorder. Also called: GRWD1-related condition.

Allele frequency attached by ClinVar (database versions not stated): gnomAD exomes 0.00009; TOPMed 0.00020; gnomAD 0.00022; 1000 Genomes Project 0.00040; ExAC 0.00053; 1000 Genomes Project 30x 0.00078.
gnomAD v4.1: 205 of 1,614,042 alleles (0.013%); highest among the groups gnomAD compares: East Asian, 0.33%; 4 homozygotes.

Submission:

PreventionGenetics, part of Exact Sciences
Classification: Likely benign for GRWD1-related condition. Last evaluated: 2019-12-19. Review status: no assertion criteria provided. Collection method: clinical testing. Allele origin: germline.
Comment: This variant is classified as likely benign based on ACMG/AMP sequence variant interpretation guidelines (Richards et al. 2015 PMID: 25741868, with internal and published modifications).